The following is an entry in ClinVar:

ClinVar aggregate classification (germline): Uncertain significance (1 of 4 stars; one submission).

gnomAD v4.1: 174 of 1,613,692 alleles (0.011%); highest among the groups gnomAD compares: Non-Finnish European, 0.014%; no homozygotes.

Submission:

Athena Diagnostics
Classification: Uncertain significance. Last evaluated: 2025-01-07. Review status: criteria provided, single submitter. Criteria: Athena Diagnostics Criteria. Collection method: clinical testing. Allele origin: unknown.
Comment: Available data are insufficient to determine the clinical significance of the variant at this time. The frequency of this variant in the general population is uninformative in assessment of its pathogenicity. Polyphen and MutationTaster yielded discordant predictions regarding whether this amino acid change is damaging to the protein.

NM_182961.4(SYNE1):c.11864G>T (p.Ser3955Ile)

Gene: SYNE1 (spectrin repeat containing nuclear envelope protein 1; minus strand). Cytogenetic location: 6q25.2.
Variant type: single nucleotide variant.
Coding change: c.11864G>T on transcript NM_182961.4 (MANE Select); coding-DNA position 11864, G replaced by T.
Protein change: p.Ser3955Ile; replaces serine 3955 with isoleucine.
Molecular consequence: missense variant. On other transcripts: intron variant (1).
Genome position (GRCh38, 1-based): chr6:152,350,205, C>A on the plus strand (G>T on the coding strand, the complement: SYNE1 is on the minus strand). VCF-style: chr6-152350205-C-A. GRCh37 (hg19) VCF-style: chr6-152671340-C-A.
Other names: c.11688+413G>T (NM_033071.5); short protein forms S3955I.
Identifiers: ClinVar variation 4682246 (VCV004682246.1).